The following is an entry in ClinVar:

ClinVar aggregate classification (germline): Likely benign. Review status: criteria provided, multiple submitters, no conflicts (2 of 4 stars). 2 submissions from 2 submitters: Likely benign (2). Last evaluated 2025-11-11.

Conditions:
Fanconi anemia (FA). Also called: Fanconi's anemia. Identifiers: Orphanet 84, MedGen C0015625, MeSH D005199, MONDO:0019391.

Allele frequency attached by ClinVar (database versions not stated): ExAC 0.00003; gnomAD 0.00003; gnomAD exomes 0.00004 and 0.00005; TOPMed 0.00005.
gnomAD v4.1: 73 of 1,613,986 alleles (0.0045%); highest among the groups gnomAD compares: East Asian, 0.0089%; no homozygotes.

Submissions (2):

Labcorp Genetics (formerly Invitae), Labcorp
Classification: Likely benign for Fanconi anemia. Last evaluated: 2025-11-11. Review status: criteria provided, single submitter. Criteria: Invitae Variant Classification Sherloc (09022015). Collection method: clinical testing. Allele origin: germline.

CeGaT Center for Human Genetics Tuebingen
Classification: Likely benign. Last evaluated: 2024-12-01. Review status: criteria provided, single submitter. Criteria: CeGaT Center For Human Genetics Tuebingen Variant Classification Criteria Version 2. Collection method: clinical testing. Allele origin: germline. Affected: yes. Observed: 1 variant allele.
Comment: SLX4: BP4, BP7

NM_032444.4(SLX4):c.2787G>A (p.Pro929=)

Gene: SLX4 (SLX4 structure-specific endonuclease subunit; minus strand). Cytogenetic location: 16p13.3.
Variant type: single nucleotide variant.
Coding change: c.2787G>A on transcript NM_032444.4 (MANE Select); coding-DNA position 2787, G replaced by A.
Protein change: p.Pro929=; no amino-acid change (proline 929 retained).
Molecular consequence: synonymous variant.
Genome position (GRCh38, 1-based): chr16:3,590,851, C>T on the plus strand (G>A on the coding strand, the complement: SLX4 is on the minus strand). VCF-style: chr16-3590851-C-T. GRCh37 (hg19) VCF-style: chr16-3640852-C-T.
Identifiers: ClinVar variation 703056 (VCV000703056.24), dbSNP rs766824198, ClinGen allele CA7866071.